The following is an entry in ClinVar:

ClinVar aggregate classification (germline): Uncertain significance. Review status: criteria provided, multiple submitters, no conflicts (2 of 4 stars). 3 submissions from 3 submitters: Uncertain significance (3). Last evaluated 2025-08-22.

Conditions:
Cardiovascular phenotype. Identifiers: MedGen CN230736.
Cardiomyopathy (CMYO). Also called: Cardiomyopathies. Identifiers: Orphanet 167848, MedGen C0878544, MONDO:0004994, HP:0001638. Inheritance: Various modes of inheritance.
Arrhythmogenic cardiomyopathy with wooly hair and keratoderma. Also called: PALMOPLANTAR KERATODERMA WITH LEFT VENTRICULAR CARDIOMYOPATHY AND WOOLLY HAIR; Arrhythmogenic cardiomyopathy with woolly hair and keratoderma; Dilated cardiomyopathy with woolly hair and keratoderma; Carvajal syndrome. Identifiers: Orphanet 65282, MedGen C1854063, MONDO:0011581, OMIM 605676.
Arrhythmogenic right ventricular dysplasia 8 (ARVD8). Also called: Arrhythmogenic Right Ventricular Dysplasia/Cardiomyopathy 8; ARRHYTHMOGENIC RIGHT VENTRICULAR DYSPLASIA, FAMILIAL, 8; ARRHYTHMOGENIC RIGHT VENTRICULAR CARDIOMYOPATHY 8. Identifiers: MedGen C1843896, MONDO:0011831, OMIM 607450.

Allele frequency attached by ClinVar (database versions not stated): ExAC 0.00001.
gnomAD v4.1: 9 of 1,614,084 alleles (0.00056%); highest among the groups gnomAD compares: Non-Finnish European, 0.00076%; no homozygotes.

Submissions (3):

Color Diagnostics, LLC DBA Color Health
Classification: Uncertain significance for Cardiomyopathy. Last evaluated: 2025-08-22. Review status: criteria provided, single submitter. Criteria: ACMG Guidelines, 2015. Collection method: clinical testing. Allele origin: germline.
Comment: This missense variant replaces serine with tyrosine at codon 2608 of the DSP protein. Computational prediction suggests that this variant may not impact protein structure and function. To our knowledge, functional studies have not been reported for this variant. This variant has not been reported in individuals affected with DSP-related disorders in the literature. This variant has been identified in 1/251308 chromosomes in the general population by the Genome Aggregation Database (gnomAD). The available evidence is insufficient to determine the role of this variant in disease conclusively. Therefore, this variant is classified as a Variant of Uncertain Significance.

Ambry Genetics
Classification: Uncertain significance for Cardiovascular phenotype. Last evaluated: 2023-02-25. Review status: criteria provided, single submitter. Criteria: Ambry Variant Classification Scheme 2023. Collection method: clinical testing. Allele origin: germline.
Comment: The p.S2608Y variant (also known as c.7823C>A), located in coding exon 24 of the DSP gene, results from a C to A substitution at nucleotide position 7823. The serine at codon 2608 is replaced by tyrosine, an amino acid with dissimilar properties. This amino acid position is conserved. In addition, the in silico prediction for this alteration is inconclusive. Since supporting evidence is limited at this time, the clinical significance of this alteration remains unclear.

Labcorp Genetics (formerly Invitae), Labcorp
Classification: Uncertain significance for Arrhythmogenic cardiomyopathy with wooly hair and keratoderma; Arrhythmogenic right ventricular dysplasia 8. Last evaluated: 2022-03-08. Review status: criteria provided, single submitter. Criteria: Invitae Variant Classification Sherloc (09022015). Collection method: clinical testing. Allele origin: germline.
Comment: This sequence change replaces serine, which is neutral and polar, with tyrosine, which is neutral and polar, at codon 2608 of the DSP protein (p.Ser2608Tyr). This variant is present in population databases (rs777066674, gnomAD 0.0009%). This variant has not been reported in the literature in individuals affected with DSP-related conditions. Algorithms developed to predict the effect of missense changes on protein structure and function are either unavailable or do not agree on the potential impact of this missense change (SIFT: "Deleterious"; PolyPhen-2: "Probably Damaging"; Align-GVGD: "Class C15"). In summary, the available evidence is currently insufficient to determine the role of this variant in disease. Therefore, it has been classified as a Variant of Uncertain Significance.

NM_004415.4(DSP):c.7823C>A (p.Ser2608Tyr)

Gene: DSP (desmoplakin; plus strand). Cytogenetic location: 6p24.3.
Variant type: single nucleotide variant.
Coding change: c.7823C>A on transcript NM_004415.4 (MANE Select); coding-DNA position 7823, C replaced by A.
Protein change: p.Ser2608Tyr; replaces serine 2608 with tyrosine.
Molecular consequence: missense variant.
Genome position (GRCh38, 1-based): chr6:7,585,085, C>A. VCF-style: chr6-7585085-C-A. GRCh37 (hg19) VCF-style: chr6-7585318-C-A.
Other names: c.6026C>A, p.Ser2009Tyr (NM_001008844.3); c.6494C>A, p.Ser2165Tyr (NM_001319034.2); c.7823C>A (NM_004415.2); short protein forms S2165Y, S2608Y, S2009Y.
Identifiers: ClinVar variation 1378488 (VCV001378488.5), dbSNP rs777066674, ClinGen allele CA050912.
Genomic context (GRCh38, chr6:7,585,085, plus strand): 5'-AATCAGTAAGTAAGATTTCCACCATATCCAGCGTCAGGAATTTAACCATAAGGAGCAGCT[C>A]TTTTTCAGACACCCTGGAAGAATCGAGCCCCATTGCAGCCATCTTTGACACAGAAAACCT-3'
Protein context (NP_004406.2, residues 2598-2618): SVRNLTIRSS[Ser2608Tyr]FSDTLEESSP